The following is an entry in ClinVar:

NM_000038.6(APC):c.1004T>A (p.Leu335Gln)

Gene: APC (APC regulator of Wnt signaling pathway; plus strand). Cytogenetic location: 5q22.2.
Variant type: single nucleotide variant.
Coding change: c.1004T>A on transcript NM_000038.6 (MANE Select); coding-DNA position 1004, T replaced by A.
Protein change: p.Leu335Gln; replaces leucine 335 with glutamine.
Molecular consequence: missense variant. On other transcripts: intron variant (4).
Genome position (GRCh38, 1-based): chr5:112,819,036, T>A. VCF-style: chr5-112819036-T-A. GRCh37 (hg19) VCF-style: chr5-112154733-T-A.
Other names: c.1004T>A, p.Leu335Gln (NM_001127510.3, NM_001354895.2, NM_001354896.2); c.950T>A, p.Leu317Gln (NM_001127511.3); c.1034T>A, p.Leu345Gln (NM_001354897.2); c.929T>A, p.Leu310Gln (NM_001354898.2); c.920T>A, p.Leu307Gln (NM_001354899.2); c.827T>A, p.Leu276Gln (NM_001354900.2, NM_001354901.2); c.155T>A, p.Leu52Gln (NM_001354906.2); c.964-233T>A (NM_001354902.2); and 3 more; short protein forms L307Q, L310Q, L345Q, L276Q, L317Q, L335Q, L52Q.
Identifiers: ClinVar variation 1509154 (VCV001509154.9), dbSNP rs2149779658, ClinGen allele CA16023506.

ClinVar aggregate classification (germline): Uncertain significance. Review status: criteria provided, multiple submitters, no conflicts (2 of 4 stars). 2 submissions from 2 submitters: Uncertain significance (2). Last evaluated 2025-06-01.

Conditions:
Hereditary cancer-predisposing syndrome. Also called: Hereditary neoplastic syndrome; Neoplastic Syndromes, Hereditary; Tumor predisposition; Hereditary Cancer Syndrome. Identifiers: Orphanet 140162, MedGen C0027672, MeSH D009386, MONDO:0015356.
Familial adenomatous polyposis 1 (FAP1). Also called: FAMILIAL ADENOMATOUS POLYPOSIS 1, ATTENUATED; POLYPOSIS, ADENOMATOUS INTESTINAL. Identifiers: MedGen C2713442, MONDO:0021056, OMIM 175100. Disease mechanism: loss of function.

gnomAD v4.1: 1 of 1,614,128 alleles (0.000062%); highest among the groups gnomAD compares: African/African-American, 0.0013%; no homozygotes.

Submissions (2):

Ambry Genetics
Classification: Uncertain significance for Hereditary cancer-predisposing syndrome. Last evaluated: 2025-06-01. Review status: criteria provided, single submitter. Criteria: Ambry Variant Classification Scheme 2023. Collection method: clinical testing. Allele origin: germline.
Comment: The p.L335Q variant (also known as c.1004T>A), located in coding exon 9 of the APC gene, results from a T to A substitution at nucleotide position 1004. The leucine at codon 335 is replaced by glutamine, an amino acid with dissimilar properties. This amino acid position is highly conserved in available vertebrate species. In addition, in silico predictors for this gene do not accurately predict pathogenicity. Since supporting evidence is limited at this time, the clinical significance of this alteration remains unclear.

Labcorp Genetics (formerly Invitae), Labcorp
Classification: Uncertain significance for Familial adenomatous polyposis 1. Last evaluated: 2024-04-10. Review status: criteria provided, single submitter. Criteria: Invitae Variant Classification Sherloc (09022015). Collection method: clinical testing. Allele origin: germline.
Comment: This sequence change replaces leucine, which is neutral and non-polar, with glutamine, which is neutral and polar, at codon 335 of the APC protein (p.Leu335Gln). This variant is not present in population databases (gnomAD no frequency). This variant has not been reported in the literature in individuals affected with APC-related conditions. ClinVar contains an entry for this variant (Variation ID: 1509154). Advanced modeling of protein sequence and biophysical properties (such as structural, functional, and spatial information, amino acid conservation, physicochemical variation, residue mobility, and thermodynamic stability) has been performed at Invitae for this missense variant, however the output from this modeling did not meet the statistical confidence thresholds required to predict the impact of this variant on APC protein function. In summary, the available evidence is currently insufficient to determine the role of this variant in disease. Therefore, it has been classified as a Variant of Uncertain Significance.